The following is an entry in ClinVar:

ClinVar aggregate classification (germline): Uncertain significance (1 of 4 stars; one submission).

Conditions:
Familial cancer of breast. Also called: hereditary breast carcinoma; Hereditary breast cancer; BREAST CANCER, FAMILIAL. Identifiers: Orphanet 227535, MedGen C0346153, MONDO:0016419, OMIM 114480. Disease mechanism: loss of function.

Submission:

Labcorp Genetics (formerly Invitae), Labcorp
Classification: Uncertain significance for Familial cancer of breast. Last evaluated: 2021-08-16. Review status: criteria provided, single submitter. Criteria: Invitae Variant Classification Sherloc (09022015). Collection method: clinical testing. Allele origin: germline.
Comment: In summary, the available evidence is currently insufficient to determine the role of this variant in disease. Therefore, it has been classified as a Variant of Uncertain Significance. Algorithms developed to predict the effect of missense changes on protein structure and function are either unavailable or do not agree on the potential impact of this missense change (SIFT: "Deleterious"; PolyPhen-2: "Probably Damaging"; Align-GVGD: "Class C0"). This variant has not been reported in the literature in individuals affected with CHEK2-related conditions. This variant is not present in population databases (ExAC no frequency). This sequence change replaces leucine with phenylalanine at codon 375 of the CHEK2 protein (p.Leu375Phe). The leucine residue is highly conserved and there is a small physicochemical difference between leucine and phenylalanine.

NM_007194.4(CHEK2):c.1125G>C (p.Leu375Phe)

Gene: CHEK2 (checkpoint kinase 2; minus strand). Cytogenetic location: 22q12.1.
Variant type: single nucleotide variant.
Coding change: c.1125G>C on transcript NM_007194.4 (MANE Select); coding-DNA position 1125, G replaced by C.
Protein change: p.Leu375Phe; replaces leucine 375 with phenylalanine.
Molecular consequence: missense variant.
Genome position (GRCh38, 1-based): chr22:28,695,844, C>G on the plus strand (G>C on the coding strand, the complement: CHEK2 is on the minus strand). VCF-style: chr22-28695844-C-G. GRCh37 (hg19) VCF-style: chr22-29091832-C-G.
Other names: c.1038G>C, p.Leu346Phe (NM_145862.3); c.1254G>C, p.Leu418Phe (NM_001005735.3); c.462G>C, p.Leu154Phe (NM_001257387.3); c.924G>C, p.Leu308Phe (NM_001349956.3); short protein forms L375F, L154F, L346F, L418F, L308F.
Identifiers: ClinVar variation 1508194 (VCV001508194.7), dbSNP rs2145806184, ClinGen allele CA411097050.